The following is an entry in ClinVar:

NM_003072.5(SMARCA4):c.143G>C (p.Gly48Ala)

Gene: SMARCA4 (SWI/SNF related BAF chromatin remodeling complex subunit ATPase 4; plus strand). Cytogenetic location: 19p13.2.
Variant type: single nucleotide variant.
Coding change: c.143G>C on transcript NM_003072.5 (MANE Select); coding-DNA position 143, G replaced by C.
Protein change: p.Gly48Ala; replaces glycine 48 with alanine.
Molecular consequence: missense variant. On other transcripts: non-coding transcript variant (1).
Genome position (GRCh38, 1-based): chr19:10,984,294, G>C. VCF-style: chr19-10984294-G-C. GRCh37 (hg19) VCF-style: chr19-11094970-G-C.
Other names: c.143G>C, p.Gly48Ala (NM_001128844.3, NM_001128845.2, NM_001128846.2 and 6 more transcripts); short protein forms G48A.
Identifiers: ClinVar variation 3320719 (VCV003320719.3).
Genomic context (GRCh38, chr19:10,984,294, plus strand): 5'-TGGGCCCTAGCCCGGGTCCCTCGCCGGGCTCCGCCCACAGCATGATGGGGCCCAGCCCAG[G>C]GCCGCCCTCAGCAGGACACCCCATCCCCACCCAGGGGCCTGGAGGGTACCCTCAGGACAA-3'
Protein context (NP_003063.2, residues 38-58): SAHSMMGPSP[Gly48Ala]PPSAGHPIPT

ClinVar aggregate classification (germline): Uncertain significance. Review status: criteria provided, multiple submitters, no conflicts (2 of 4 stars). 2 submissions from 2 submitters: Uncertain significance (2). Last evaluated 2024-05-18.

Conditions:
Rhabdoid tumor predisposition syndrome 2 (RTPS2). Identifiers: Orphanet 231108, Orphanet 69077, MedGen C2750074, MONDO:0013224, OMIM 613325.
Hereditary cancer-predisposing syndrome. Also called: Neoplastic Syndromes, Hereditary; Tumor predisposition; Hereditary neoplastic syndrome; Hereditary Cancer Syndrome. Identifiers: Orphanet 140162, MedGen C0027672, MeSH D009386, MONDO:0015356.

Submissions (2):

Labcorp Genetics (formerly Invitae), Labcorp
Classification: Uncertain significance for Rhabdoid tumor predisposition syndrome 2. Last evaluated: 2024-05-18. Review status: criteria provided, single submitter. Criteria: Invitae Variant Classification Sherloc (09022015). Collection method: clinical testing. Allele origin: germline.
Comment: This sequence change replaces glycine, which is neutral and non-polar, with alanine, which is neutral and non-polar, at codon 48 of the SMARCA4 protein (p.Gly48Ala). This variant is not present in population databases (gnomAD no frequency). This variant has not been reported in the literature in individuals affected with SMARCA4-related conditions. Advanced modeling of protein sequence and biophysical properties (such as structural, functional, and spatial information, amino acid conservation, physicochemical variation, residue mobility, and thermodynamic stability) has been performed at Invitae for this missense variant, however the output from this modeling did not meet the statistical confidence thresholds required to predict the impact of this variant on SMARCA4 protein function. In summary, the available evidence is currently insufficient to determine the role of this variant in disease. Therefore, it has been classified as a Variant of Uncertain Significance.

Ambry Genetics
Classification: Uncertain significance for Hereditary cancer-predisposing syndrome. Last evaluated: 2024-04-13. Review status: criteria provided, single submitter. Criteria: Ambry Variant Classification Scheme 2023. Collection method: clinical testing. Allele origin: germline.
Comment: The p.G48A variant (also known as c.143G>C), located in coding exon 1 of the SMARCA4 gene, results from a G to C substitution at nucleotide position 143. The glycine at codon 48 is replaced by alanine, an amino acid with similar properties. This amino acid position is conserved. In addition, this alteration is predicted to be deleterious by in silico analysis. Based on the available evidence, the clinical significance of this variant remains unclear.